The following is an entry in ClinVar:

ClinVar aggregate classification (germline): Uncertain significance (1 of 4 stars; one submission).

gnomAD v4.1: 1 of 1,566,128 alleles (0.000064%); no homozygotes.

Submission:

Ambry Genetics
Classification: Uncertain significance. Last evaluated: 2025-04-28. Review status: criteria provided, single submitter. Criteria: Ambry Variant Classification Scheme 2023. Collection method: clinical testing. Allele origin: germline.
Comment: The p.S1287C variant (also known as c.3860C>G), located in coding exon 14 of the CDK12 gene, results from a C to G substitution at nucleotide position 3860. The serine at codon 1287 is replaced by cysteine, an amino acid with dissimilar properties. This amino acid position is conserved. In addition, the in silico prediction for this alteration is inconclusive. Based on the available evidence, the clinical significance of this variant remains unclear.

NM_016507.4(CDK12):c.3860C>G (p.Ser1287Cys)

Gene: CDK12 (cyclin dependent kinase 12; plus strand). Cytogenetic location: 17q12.
Variant type: single nucleotide variant.
Coding change: c.3860C>G on transcript NM_016507.4 (MANE Select); coding-DNA position 3860, C replaced by G.
Protein change: p.Ser1287Cys; replaces serine 1287 with cysteine.
Molecular consequence: missense variant.
Genome position (GRCh38, 1-based): chr17:39,530,703, C>G. VCF-style: chr17-39530703-C-G. GRCh37 (hg19) VCF-style: chr17-37686956-C-G.
Other names: c.3833C>G, p.Ser1278Cys (NM_015083.4); short protein forms S1287C, S1278C.
Identifiers: ClinVar variation 3999399 (VCV003999399.1).